The following is an entry in ClinVar:

ClinVar aggregate classification (germline): Uncertain significance. Review status: criteria provided, multiple submitters, no conflicts (2 of 4 stars). 3 submissions from 3 submitters: Uncertain significance (3). Last evaluated 2024-05-05.

Conditions:
Hereditary cancer-predisposing syndrome. Also called: Neoplastic Syndromes, Hereditary; Hereditary neoplastic syndrome; Hereditary Cancer Syndrome; Tumor predisposition. Identifiers: Orphanet 140162, MedGen C0027672, MeSH D009386, MONDO:0015356.
Microcephaly, normal intelligence and immunodeficiency (NBS). Also called: Nijmegen breakage syndrome; IMMUNODEFICIENCY, MICROCEPHALY, AND CHROMOSOMAL INSTABILITY; Immunodeficiency, microcephaly with normal intelligence; Microcephaly with normal intelligence immunodeficiency and lymphoreticular malignancies; Nonsyndromal microcephaly autosomal recessive with normal intelligence; Seemanova syndrome 2. Identifiers: Orphanet 647, MedGen C0398791, MONDO:0009623, OMIM 251260.

Submissions (3):

Ambry Genetics
Classification: Uncertain significance for Hereditary cancer-predisposing syndrome. Last evaluated: 2024-05-05. Review status: criteria provided, single submitter. Criteria: Ambry Variant Classification Scheme 2023. Collection method: clinical testing. Allele origin: germline.
Comment: The p.L643V variant (also known as c.1927C>G), located in coding exon 13 of the NBN gene, results from a C to G substitution at nucleotide position 1927. The leucine at codon 643 is replaced by valine, an amino acid with highly similar properties. This amino acid position is conserved. In addition, this alteration is predicted to be tolerated by in silico analysis. Based on the available evidence, the clinical significance of this variant remains unclear.

Women's Health and Genetics/Laboratory Corporation of America, LabCorp
Classification: Uncertain significance. Last evaluated: 2024-04-18. Review status: criteria provided, single submitter. Criteria: LabCorp Variant Classification Summary - May 2015. Collection method: clinical testing. Allele origin: germline.

Labcorp Genetics (formerly Invitae), Labcorp
Classification: Uncertain significance for Microcephaly, normal intelligence and immunodeficiency. Last evaluated: 2022-02-17. Review status: criteria provided, single submitter. Criteria: Invitae Variant Classification Sherloc (09022015). Collection method: clinical testing. Allele origin: germline.
Comment: ClinVar contains an entry for this variant (Variation ID: 948481). In summary, the available evidence is currently insufficient to determine the role of this variant in disease. Therefore, it has been classified as a Variant of Uncertain Significance. Algorithms developed to predict the effect of missense changes on protein structure and function (SIFT, PolyPhen-2, Align-GVGD) all suggest that this variant is likely to be tolerated. This variant has not been reported in the literature in individuals affected with NBN-related conditions. This variant is not present in population databases (gnomAD no frequency). This sequence change replaces leucine, which is neutral and non-polar, with valine, which is neutral and non-polar, at codon 643 of the NBN protein (p.Leu643Val).

NM_002485.5(NBN):c.1927C>G (p.Leu643Val)

Gene: NBN (nibrin; minus strand). Cytogenetic location: 8q21.3.
Variant type: single nucleotide variant.
Coding change: c.1927C>G on transcript NM_002485.5 (MANE Select); coding-DNA position 1927, C replaced by G.
Protein change: p.Leu643Val; replaces leucine 643 with valine.
Molecular consequence: missense variant.
Genome position (GRCh38, 1-based): chr8:89,946,283, G>C on the plus strand (C>G on the coding strand, the complement: NBN is on the minus strand). VCF-style: chr8-89946283-G-C. GRCh37 (hg19) VCF-style: chr8-90958511-G-C.
Other names: c.1681C>G, p.Leu561Val (NM_001024688.3); short protein forms L643V, L561V.
Identifiers: ClinVar variation 948481 (VCV000948481.11), dbSNP rs1586040775, ClinGen allele CA371676786.